The following is an entry in ClinVar:

NM_018451.5(CPAP):c.2872C>T (p.Arg958Ter)

Gene: CPAP (centrosome assembly and centriole elongation protein; minus strand). Cytogenetic location: 13q12.12.
Variant type: single nucleotide variant.
Coding change: c.2872C>T on transcript NM_018451.5 (MANE Select); coding-DNA position 2872, C replaced by T.
Protein change: p.Arg958Ter; replaces arginine 958 with a stop codon.
Molecular consequence: nonsense. On other transcripts: non-coding transcript variant (2).
Genome position (GRCh38, 1-based): chr13:24,899,538, G>A on the plus strand (C>T on the coding strand, the complement: CPAP is on the minus strand). VCF-style: chr13-24899538-G-A. GRCh37 (hg19) VCF-style: chr13-25473676-G-A.
Other names: short protein forms R958*.
Identifiers: ClinVar variation 432139 (VCV000432139.6), dbSNP rs749343808, ClinGen allele CA6919486.

ClinVar aggregate classification (germline): Pathogenic/Likely pathogenic. Review status: criteria provided, multiple submitters, no conflicts (2 of 4 stars). 3 submissions from 3 submitters: Pathogenic (2); Likely pathogenic (1). Last evaluated 2025-09-03.

Conditions:
Microcephaly 6, primary, autosomal recessive. Identifiers: Orphanet 2512, MedGen C1842109, MONDO:0012029, OMIM 608393.
Seckel syndrome 4 (SCKL4). Identifiers: Orphanet 808, MedGen C3888212, MONDO:0013358, OMIM 613676.

Allele frequency attached by ClinVar (database versions not stated): TOPMed 0.00001; ExAC 0.00002.
gnomAD v4.1: 19 of 1,613,556 alleles (0.0012%); highest among the groups gnomAD compares: Admixed American, 0.0017%; no homozygotes.

Submissions (3):

Labcorp Genetics (formerly Invitae), Labcorp
Classification: Pathogenic. Last evaluated: 2025-09-03. Review status: criteria provided, single submitter. Criteria: Invitae Variant Classification Sherloc (09022015). Collection method: clinical testing. Allele origin: germline.
Comment: This sequence change creates a premature translational stop signal (p.Arg958*) in the CENPJ gene. It is expected to result in an absent or disrupted protein product. Loss-of-function variants in CENPJ are known to be pathogenic (PMID: 15793586, 16900296, 20522431). This variant is present in population databases (rs749343808, gnomAD 0.003%). This variant has not been reported in the literature in individuals affected with CENPJ-related conditions. ClinVar contains an entry for this variant (Variation ID: 432139). For these reasons, this variant has been classified as Pathogenic.

Fulgent Genetics
Classification: Pathogenic for Microcephaly 6, primary, autosomal recessive; Seckel syndrome 4. Last evaluated: 2018-10-31. Review status: criteria provided, single submitter. Criteria: ACMG Guidelines, 2015. Collection method: clinical testing. Allele origin: unknown.

GeneDx
Classification: Likely pathogenic. Last evaluated: 2016-04-20. Review status: criteria provided, single submitter. Criteria: GeneDx Variant Classification (06012015). Collection method: clinical testing. Allele origin: germline. Affected: yes.
Comment: The R958X variant has not been published as a pathogenic variant, nor has it been reported as a benign variant to our knowledge. The R958X nonsense variant is predicted to cause loss of normal protein function either through protein truncation or nonsense-mediated mRNA decay. Furthermore, it was not observed in approximately 6,500 individuals of European and African American ancestry in the NHLBI Exome Sequencing Project, indicating it is not a common benign variant in these populations. Although this variant has not been reported previously to our knowledge, another truncating variant downstream of this position has been reported in the Human Gene Mutation Database in association with a CENPJ-related disorder (Stenson et al., 2014). Therefore, this variant is likely pathogenic; however, the possibility that it is benign cannot be excluded. GeneDx interprets R958X as a likely pathogenic variant.

Literature cited by the submitters: PubMed 15793586 (cited by Labcorp Genetics (formerly Invitae), Labcorp); PubMed 16900296 (cited by Labcorp Genetics (formerly Invitae), Labcorp); PubMed 20522431 (cited by Labcorp Genetics (formerly Invitae), Labcorp).